The following is an entry in ClinVar:

NM_000051.4(ATM):c.2124+1del

Gene: ATM (ATM serine/threonine kinase; plus strand). Cytogenetic location: 11q22.3.
Variant type: Deletion.
Coding change: c.2124+1del on transcript NM_000051.4 (MANE Select); the canonical splice donor site of the intron after coding-DNA position 2124, one base deleted (G; older notation c.2124+1delG).
Molecular consequence: splice donor variant.
Genome position (GRCh38, 1-based): chr11:108,254,040, G deleted; the last of 2 consecutive G bases (chr11:108,254,039-108,254,040); deleting either gives the same sequence. VCF-style (leftmost placement, unchanged base first): chr11-108254038-AG-A. GRCh37 (hg19) VCF-style: chr11-108124765-AG-A.
Other names: c.2124+1delG (NM_000051.3); c.2124+1del (NM_001351834.2).
Identifiers: ClinVar variation 841036 (VCV000841036.10), dbSNP rs2080318979, ClinGen allele CA916080461.

ClinVar aggregate classification (germline): Likely pathogenic. Review status: criteria provided, multiple submitters, no conflicts (2 of 4 stars). 3 submissions from 3 submitters: Likely pathogenic (3). Last evaluated 2025-01-28.

Conditions:
Hereditary cancer-predisposing syndrome. Also called: Neoplastic Syndromes, Hereditary; Hereditary neoplastic syndrome; Tumor predisposition; Hereditary Cancer Syndrome. Identifiers: Orphanet 140162, MedGen C0027672, MeSH D009386, MONDO:0015356.
Ataxia-telangiectasia syndrome (AT). Also called: Ataxia-telangiectasia, complementation group D; AT, COMPLEMENTATION GROUP C; Ataxia telangiectasia (A-T); Cerebello-oculocutaneous telangiectasia; Immunodeficiency with ataxia telangiectasia; Ataxia-telangiectasia. Identifiers: Orphanet 100, MedGen C0004135, MONDO:0008840, OMIM 208900.
Familial cancer of breast. Also called: hereditary breast carcinoma; BREAST CANCER, FAMILIAL; Hereditary breast cancer. Identifiers: Orphanet 227535, MedGen C0346153, MONDO:0016419, OMIM 114480. Disease mechanism: loss of function.

Submissions (3):

Ambry Genetics
Classification: Likely pathogenic for Hereditary cancer-predisposing syndrome. Last evaluated: 2025-01-28. Review status: criteria provided, single submitter. Criteria: Ambry Variant Classification Scheme 2023. Collection method: clinical testing. Allele origin: germline.
Comment: The c.2124+1delG intronic variant, located in intron 12 of the ATM gene, results from a deletion of one nucleotide within intron 12 of the ATM gene. This nucleotide position is highly conserved in available vertebrate species. In silico splice site analysis predicts that this alteration will weaken the native splice donor site and may result in the creation or strengthening of a novel splice donor site. Alterations that disrupt the canonical splice site are expected to cause aberrant splicing, resulting in an abnormal protein or a transcript that is subject to nonsense-mediated mRNA decay. As such, this alteration is classified as likely pathogenic.

Myriad Genetics, Inc.
Classification: Likely pathogenic for Familial cancer of breast. Last evaluated: 2024-01-17. Review status: criteria provided, single submitter. Criteria: Myriad Autosomal Dominant, Autosomal Recessive and X-Linked Classification Criteria (2023). Collection method: clinical testing. Allele origin: unknown.
Comment: This variant is considered likely pathogenic. This variant occurs within a consensus splice junction and is predicted to result in abnormal mRNA splicing of either an out-of-frame exon or an in-frame exon necessary for protein stability and/or normal function.

Labcorp Genetics (formerly Invitae), Labcorp
Classification: Likely pathogenic for Ataxia-telangiectasia syndrome. Last evaluated: 2019-12-11. Review status: criteria provided, single submitter. Criteria: Invitae Variant Classification Sherloc (09022015). Collection method: clinical testing. Allele origin: germline.
Comment: In summary, the currently available evidence indicates that the variant is pathogenic, but additional data are needed to prove that conclusively. Therefore, this variant has been classified as Likely Pathogenic. Donor and acceptor splice site variants typically lead to a loss of protein function (PMID: 16199547), and loss-of-function variants in ATM are known to be pathogenic (PMID: 23807571, 25614872). Algorithms developed to predict the effect of sequence changes on RNA splicing suggest that this variant may disrupt the consensus splice site, but this prediction has not been confirmed by published transcriptional studies. This variant has not been reported in the literature in individuals with ATM-related conditions. This variant is not present in population databases (ExAC no frequency). This sequence change affects a donor splice site in intron 13 of the ATM gene. It is expected to disrupt RNA splicing and likely results in an absent or disrupted protein product.

Literature cited by the submitters: PubMed 16199547 (cited by Labcorp Genetics (formerly Invitae), Labcorp); PubMed 23807571 (cited by Labcorp Genetics (formerly Invitae), Labcorp); PubMed 25614872 (cited by Labcorp Genetics (formerly Invitae), Labcorp).